The following is an entry in ClinVar:

NM_138691.3(TMC1):c.453+5G>T

Gene: TMC1 (transmembrane channel like 1; plus strand). Cytogenetic location: 9q21.13.
Variant type: single nucleotide variant.
Coding change: c.453+5G>T on transcript NM_138691.3 (MANE Select); 5 bases into the intron after coding-DNA position 453, G replaced by T.
Molecular consequence: intron variant.
Genome position (GRCh38, 1-based): chr9:72,740,214, G>T. VCF-style: chr9-72740214-G-T. GRCh37 (hg19) VCF-style: chr9-75355130-G-T.
Identifiers: ClinVar variation 2444602 (VCV002444602.2), dbSNP rs1564524282, ClinGen allele CA915772629.

ClinVar aggregate classification (germline): Likely pathogenic (1 of 4 stars; one submission).

Allele frequency attached by ClinVar (database versions not stated): gnomAD exomes 0.00002.
gnomAD v4.1: 27 of 1,612,644 alleles (0.0017%); highest among the groups gnomAD compares: Non-Finnish European, 0.0023%; no homozygotes.

Submission:

GeneDx
Classification: Likely pathogenic. Last evaluated: 2026-08-19. Review status: criteria provided, single submitter. Criteria: GeneDx Variant Classification Process June 2021. Collection method: clinical testing. Allele origin: germline.
Comment: Intronic variant directly or indirectly altering the +5 splice site in a gene for which loss of function is a known mechanism of disease, and splice predictors support a deleterious effect; Not observed at significant frequency in large population cohorts (gnomAD); Has not been previously published as pathogenic or benign to our knowledge